The following is an entry in ClinVar:

ClinVar aggregate classification (germline): Uncertain significance (1 of 4 stars; one submission).

Allele frequency attached by ClinVar (database versions not stated): TOPMed below 0.00001; ExAC 0.00001; gnomAD 0.00001; 1000 Genomes Project 30x 0.00016; 1000 Genomes Project 0.00020.

Submission:

Labcorp Genetics (formerly Invitae), Labcorp
Classification: Uncertain significance. Last evaluated: 2022-11-01. Review status: criteria provided, single submitter. Criteria: Invitae Variant Classification Sherloc (09022015). Collection method: clinical testing. Allele origin: germline.
Comment: This variant has not been reported in the literature in individuals affected with NAA15-related conditions. This variant is not present in population databases (gnomAD no frequency). This sequence change replaces methionine, which is neutral and non-polar, with valine, which is neutral and non-polar, at codon 738 of the NAA15 protein (p.Met738Val). Algorithms developed to predict the effect of missense changes on protein structure and function (SIFT, PolyPhen-2, Align-GVGD) all suggest that this variant is likely to be tolerated. In summary, the available evidence is currently insufficient to determine the role of this variant in disease. Therefore, it has been classified as a Variant of Uncertain Significance.

NM_057175.5(NAA15):c.2212A>G (p.Met738Val)

Gene: NAA15 (N-alpha-acetyltransferase 15, NatA auxiliary subunit; plus strand). Cytogenetic location: 4q31.1.
Variant type: single nucleotide variant.
Coding change: c.2212A>G on transcript NM_057175.5 (MANE Select); coding-DNA position 2212, A replaced by G.
Protein change: p.Met738Val; replaces methionine 738 with valine.
Molecular consequence: missense variant.
Genome position (GRCh38, 1-based): chr4:139,384,888, A>G. VCF-style: chr4-139384888-A-G. GRCh37 (hg19) VCF-style: chr4-140306042-A-G.
Other names: c.2209A>G, p.Met737Val (NM_001410842.1); c.*621A>G (NM_025085.2); short protein forms M737V, M738V.
Identifiers: ClinVar variation 1942796 (VCV001942796.5), dbSNP rs568868436, ClinGen allele CA3083798.